The following is an entry in ClinVar:

NM_001277062.2(MFF):c.744+292T>C

Gene: MFF (mitochondrial fission factor; plus strand). Cytogenetic location: 2q36.3.
Variant type: single nucleotide variant.
Coding change: c.744+292T>C on transcript NM_001277062.2 (MANE Select); 292 bases into the intron after coding-DNA position 744, T replaced by C.
Molecular consequence: intron variant.
Genome position (GRCh38, 1-based): chr2:227,356,053, T>C. VCF-style: chr2-227356053-T-C. GRCh37 (hg19) VCF-style: chr2-228220769-T-C.
Other names: c.897+292T>C (NM_001277061.2, NM_020194.5); c.600+292T>C (NM_001277063.2); c.585+292T>C (NM_001277064.2); c.525+292T>C (NM_001277065.2, NM_001277066.2); c.534+292T>C (NM_001277067.1); c.627+292T>C (NM_001277068.1).
Identifiers: ClinVar variation 684252 (VCV000684252.1), dbSNP rs7560053, ClinGen allele CA11047499.

ClinVar aggregate classification (germline): Benign (1 of 4 stars; one submission).

Allele frequency attached by ClinVar (database versions not stated): 1000 Genomes Project 30x 0.66412; 1000 Genomes Project 0.66414; TOPMed 0.67491; gnomAD 0.68004 and 0.68113.
gnomAD v4.1: 103,266 of 152,122 alleles (68%); highest among the groups gnomAD compares: African/African-American, 77%; 35,331 homozygotes.

Submission:

GeneDx
Classification: Benign. Last evaluated: 2018-06-14. Review status: criteria provided, single submitter. Criteria: GeneDx Variant Classification (06012015). Collection method: clinical testing. Allele origin: germline. Affected: yes.
Comment: This variant is considered likely benign or benign based on one or more of the following criteria: it is a conservative change, it occurs at a poorly conserved position in the protein, it is predicted to be benign by multiple in silico algorithms, and/or has population frequency not consistent with disease.